The following is an entry in ClinVar:

NM_001903.5(CTNNA1):c.858+1G>A

Gene: CTNNA1 (catenin alpha 1; plus strand). Cytogenetic location: 5q31.2.
Variant type: single nucleotide variant.
Coding change: c.858+1G>A on transcript NM_001903.5 (MANE Select); the canonical splice donor site of the intron after coding-DNA position 858, G replaced by A.
Molecular consequence: splice donor variant.
Genome position (GRCh38, 1-based): chr5:138,824,800, G>A. VCF-style: chr5-138824800-G-A. GRCh37 (hg19) VCF-style: chr5-138160489-G-A.
Other names: c.858+1G>A (NM_001323982.2, NM_001323984.2, NM_001290307.3 and 3 more transcripts); c.489+1G>A (NM_001290310.3); c.549+1G>A (NM_001290309.3).
Identifiers: ClinVar variation 1009631 (VCV001009631.13), dbSNP rs1760476950, ClinGen allele CA361130357.
Genomic context (GRCh38, chr5:138,824,800, plus strand): 5'-GCCTCACAGCACCAGGGTGGAGGAGGAGGAGAACTGGCATATGCACTCAATAACTTTGAC[G>A]TAAGTTATGCTTGGGTGGAAATTTCCAGCTCTTGACCATCCCCCAAAAGATAACAGATTT-3'

ClinVar aggregate classification (germline): Conflicting classifications of pathogenicity. Review status: criteria provided, conflicting classifications (1 of 4 stars). 2 submissions from 2 submitters: Likely pathogenic (1); Uncertain significance (1). Last evaluated 2025-06-12.

Conditions:
Hereditary cancer-predisposing syndrome. Also called: Tumor predisposition; Hereditary neoplastic syndrome; Neoplastic Syndromes, Hereditary; Hereditary Cancer Syndrome. Identifiers: Orphanet 140162, MedGen C0027672, MeSH D009386, MONDO:0015356.

Submissions (2):

Ambry Genetics
Classification: Uncertain significance for Hereditary cancer-predisposing syndrome. Last evaluated: 2025-06-12. Review status: criteria provided, single submitter. Criteria: Ambry Variant Classification Scheme 2023. Collection method: clinical testing. Allele origin: germline.
Comment: The c.858+1G>A intronic variant results from a G to A substitution one nucleotide after coding exon 5 of the CTNNA1 gene. This nucleotide position is highly conserved in available vertebrate species. In silico splice site analysis predicts that this alteration will weaken the native splice donor site. RNA studies have demonstrated that this alteration results in a transcript predicted to lead to a protein with an in-frame deletion; however, the exact functional impact of the deleted amino acids is unknown at this time (Ambry internal data). Based on the available evidence, the clinical significance of this variant remains unclear.

Labcorp Genetics (formerly Invitae), Labcorp
Classification: Likely pathogenic. Last evaluated: 2023-09-20. Review status: criteria provided, single submitter. Criteria: Invitae Variant Classification Sherloc (09022015). Collection method: clinical testing. Allele origin: germline.
Comment: In summary, the currently available evidence indicates that the variant is pathogenic, but additional data are needed to prove that conclusively. Therefore, this variant has been classified as Likely Pathogenic. Algorithms developed to predict the effect of sequence changes on RNA splicing suggest that this variant may disrupt the consensus splice site. ClinVar contains an entry for this variant (Variation ID: 1009631). Disruption of this splice site has been observed in individual(s) with clinical features of butterfly-shaped pigmentary macular dystrophy (Invitae). This variant is not present in population databases (gnomAD no frequency). This sequence change affects a donor splice site in intron 6 of the CTNNA1 gene. It is expected to disrupt RNA splicing. Variants that disrupt the donor or acceptor splice site typically lead to a loss of protein function (PMID: 16199547), and loss-of-function variants in CTNNA1 are known to be pathogenic (PMID: 32051609, 34425242).

Literature cited by the submitters: PubMed 16199547 (cited by Labcorp Genetics (formerly Invitae), Labcorp); PubMed 32051609 (cited by Labcorp Genetics (formerly Invitae), Labcorp); PubMed 34425242 (cited by Labcorp Genetics (formerly Invitae), Labcorp).